The following is an entry in ClinVar:

NM_003614.2(GALR3):c.662C>T (p.Ala221Val)

Gene: GALR3 (galanin receptor 3; plus strand). Cytogenetic location: 22q13.1.
Variant type: single nucleotide variant.
Coding change: c.662C>T on transcript NM_003614.2 (MANE Select); coding-DNA position 662, C replaced by T.
Protein change: p.Ala221Val; replaces alanine 221 with valine.
Molecular consequence: missense variant.
Genome position (GRCh38, 1-based): chr22:37,825,025, C>T. VCF-style: chr22-37825025-C-T. GRCh37 (hg19) VCF-style: chr22-38221032-C-T.
Other names: short protein forms A221V.
Identifiers: ClinVar variation 4820961 (VCV004820961.4).

ClinVar aggregate classification (germline): Likely benign (1 of 4 stars; one submission).

gnomAD v4.1: 4,085 of 1,158,592 alleles (0.35%); highest among the groups gnomAD compares: Admixed American, 0.46%; 12 homozygotes.

Submission:

CeGaT Center for Human Genetics Tuebingen
Classification: Likely benign. Last evaluated: 2026-02-01. Review status: criteria provided, single submitter. Criteria: CeGaT Center For Human Genetics Tuebingen Variant Classification Criteria Version 2. Collection method: clinical testing. Allele origin: germline. Affected: yes. Observed: 1 variant allele.
Comment: GALR3: PP2, BS2